The following is an entry in ClinVar:

ClinVar aggregate classification (germline): Uncertain significance (1 of 4 stars; one submission).

Conditions:
Cardiovascular phenotype. Identifiers: MedGen CN230736.

Submission:

Ambry Genetics
Classification: Uncertain significance for Cardiovascular phenotype. Last evaluated: 2023-11-10. Review status: criteria provided, single submitter. Criteria: Ambry Variant Classification Scheme 2023. Collection method: clinical testing. Allele origin: germline.
Comment: The p.S1923R variant (also known as c.5769T>G), located in coding exon 27 of the SCN10A gene, results from a T to G substitution at nucleotide position 5769. The serine at codon 1923 is replaced by arginine, an amino acid with dissimilar properties. This amino acid position is conserved. In addition, the in silico prediction for this alteration is inconclusive. Since supporting evidence is limited at this time, the clinical significance of this alteration remains unclear.

NM_006514.4(SCN10A):c.5769T>G (p.Ser1923Arg)

Gene: SCN10A (sodium voltage-gated channel alpha subunit 10; minus strand). Cytogenetic location: 3p22.2.
Variant type: single nucleotide variant.
Coding change: c.5769T>G on transcript NM_006514.4 (MANE Select); coding-DNA position 5769, T replaced by G.
Protein change: p.Ser1923Arg; replaces serine 1923 with arginine.
Molecular consequence: missense variant.
Genome position (GRCh38, 1-based): chr3:38,697,451, A>C on the plus strand (T>G on the coding strand, the complement: SCN10A is on the minus strand). VCF-style: chr3-38697451-A-C. GRCh37 (hg19) VCF-style: chr3-38738942-A-C.
Other names: c.5766T>G, p.Ser1922Arg (NM_001293306.2); c.5475T>G, p.Ser1825Arg (NM_001293307.2); short protein forms S1825R, S1922R, S1923R.
Identifiers: ClinVar variation 3225687 (VCV003225687.1), dbSNP rs920727914, ClinGen allele CA352152394.
Genomic context (GRCh38, chr3:38,697,451, plus strand): 5'-TTCATTTTGTATTGAGCTAGATGTCCTCATGTTGACTCTATCACTAAGGCCTCTAGTGAC[A>C]CTCTCATAGGACGGTGGGAATGATGTGGCAGAAGCAGTTTCAGATTTGTCTGGGAGTACA-3'
Protein context (NP_006505.4, residues 1913-1933): SATSFPPSYE[Ser1923Arg]VTRGLSDRVN